The following is an entry in ClinVar:

ClinVar aggregate classification (germline): Uncertain significance (1 of 4 stars; one submission).

Allele frequency attached by ClinVar (database versions not stated): gnomAD 0.00001; ExAC 0.00002; gnomAD exomes 0.00002 and 0.00003; TOPMed 0.00002.
gnomAD v4.1: 31 of 1,601,402 alleles (0.0019%); highest among the groups gnomAD compares: East Asian, 0.029%; no homozygotes.

Submission:

Labcorp Genetics (formerly Invitae), Labcorp
Classification: Uncertain significance. Last evaluated: 2023-12-22. Review status: criteria provided, single submitter. Criteria: Invitae Variant Classification Sherloc (09022015). Collection method: clinical testing. Allele origin: germline.
Comment: This sequence change replaces asparagine, which is neutral and polar, with serine, which is neutral and polar, at codon 126 of the GTF2E2 protein (p.Asn126Ser). This variant is present in population databases (rs764989549, gnomAD 0.01%). This variant has not been reported in the literature in individuals affected with GTF2E2-related conditions. ClinVar contains an entry for this variant (Variation ID: 1385757). Advanced modeling of protein sequence and biophysical properties (such as structural, functional, and spatial information, amino acid conservation, physicochemical variation, residue mobility, and thermodynamic stability) performed at Invitae indicates that this missense variant is not expected to disrupt GTF2E2 protein function with a negative predictive value of 80%. In summary, the available evidence is currently insufficient to determine the role of this variant in disease. Therefore, it has been classified as a Variant of Uncertain Significance.

NM_002095.6(GTF2E2):c.377A>G (p.Asn126Ser)

Gene: GTF2E2 (general transcription factor IIE subunit 2; minus strand). Cytogenetic location: 8p12.
Variant type: single nucleotide variant.
Coding change: c.377A>G on transcript NM_002095.6 (MANE Select); coding-DNA position 377, A replaced by G.
Protein change: p.Asn126Ser; replaces asparagine 126 with serine.
Molecular consequence: missense variant.
Genome position (GRCh38, 1-based): chr8:30,612,471, T>C on the plus strand (A>G on the coding strand, the complement: GTF2E2 is on the minus strand). VCF-style: chr8-30612471-T-C. GRCh37 (hg19) VCF-style: chr8-30469988-T-C.
Other names: c.377A>G, p.Asn126Ser (NM_001348353.1); short protein forms N126S.
Identifiers: ClinVar variation 1385757 (VCV001385757.6), dbSNP rs764989549, ClinGen allele CA4700977.